The following is an entry in ClinVar:

NM_001378454.1(ALMS1):c.12173G>A (p.Arg4058His)

Genes: ALMS1 (ALMS1 centrosome and basal body associated protein; plus strand), LOC126806252 (BRD4-independent group 4 enhancer GRCh37_chr2:73828496-73829695; plus strand). Cytogenetic location: 2p13.1.
Variant type: single nucleotide variant.
Coding change: c.12173G>A on transcript NM_001378454.1 (MANE Select); coding-DNA position 12173, G replaced by A.
Protein change: p.Arg4058His; replaces arginine 4058 with histidine.
Molecular consequence: missense variant.
Genome position (GRCh38, 1-based): chr2:73,602,243, G>A. VCF-style: chr2-73602243-G-A. GRCh37 (hg19) VCF-style: chr2-73829370-G-A.
Other names: c.12176G>A, p.Arg4059His (NM_015120.4); short protein forms R4059H, R4058H.
Identifiers: ClinVar variation 459851 (VCV000459851.10), dbSNP rs61743400, ClinGen allele CA1715472.

ClinVar aggregate classification (germline): Uncertain significance. Review status: criteria provided, multiple submitters, no conflicts (2 of 4 stars). 5 submissions from 5 submitters: Uncertain significance (3). 2 of the submissions do not count toward it. Last evaluated 2024-11-22.

Conditions:
Cardiovascular phenotype. Identifiers: MedGen CN230736.
Alstrom syndrome (ALMS). Identifiers: Orphanet 64, MedGen C0268425, MONDO:0008763, OMIM 203800.

Allele frequency attached by ClinVar (database versions not stated): TOPMed 0.00003; ExAC 0.00004; gnomAD 0.00004; 1000 Genomes Project 0.00020; 1000 Genomes Project 30x 0.00031.
gnomAD v4.1: 27 of 1,614,128 alleles (0.0017%); highest among the groups gnomAD compares: East Asian, 0.029%; no homozygotes.

Submissions (5):

Labcorp Genetics (formerly Invitae), Labcorp
Classification: Uncertain significance for Alstrom syndrome. Last evaluated: 2024-11-22. Review status: criteria provided, single submitter. Criteria: Invitae Variant Classification Sherloc (09022015). Collection method: clinical testing. Allele origin: germline.
Comment: This sequence change replaces arginine, which is basic and polar, with histidine, which is basic and polar, at codon 4059 of the ALMS1 protein (p.Arg4059His). This variant is present in population databases (rs61743400, gnomAD 0.05%). This variant has not been reported in the literature in individuals affected with ALMS1-related conditions. ClinVar contains an entry for this variant (Variation ID: 459851). Experimental studies and prediction algorithms are not available or were not evaluated, and the functional significance of this variant is currently unknown. In summary, the available evidence is currently insufficient to determine the role of this variant in disease. Therefore, it has been classified as a Variant of Uncertain Significance.

Fulgent Genetics
Classification: Uncertain significance for Alstrom syndrome. Last evaluated: 2022-03-01. Review status: criteria provided, single submitter. Criteria: ACMG Guidelines, 2015. Collection method: clinical testing. Allele origin: unknown.

Ambry Genetics
Classification: Uncertain significance for Cardiovascular phenotype. Last evaluated: 2020-12-22. Review status: criteria provided, single submitter. Criteria: Ambry Variant Classification Scheme 2023. Collection method: clinical testing. Allele origin: germline.
Comment: The p.R4059H variant (also known as c.12176G>A), located in coding exon 20 of the ALMS1 gene, results from a G to A substitution at nucleotide position 12176. The arginine at codon 4059 is replaced by histidine, an amino acid with highly similar properties. This amino acid position is highly conserved in available vertebrate species. In addition, this alteration is predicted to be deleterious by in silico analysis. Since supporting evidence is limited at this time, the clinical significance of this alteration remains unclear.

Natera, Inc.
Classification: Uncertain significance for Alstrom syndrome. Last evaluated: 2020-03-10. Review status: no assertion criteria provided. Collection method: clinical testing. Allele origin: germline. Not counted in ClinVar's aggregate classification.

Counsyl
Classification: Uncertain significance for Alstrom syndrome. Last evaluated: 2016-12-28. Review status: no assertion criteria provided. Collection method: clinical testing. Allele origin: unknown. Not counted in ClinVar's aggregate classification.